The following is an entry in ClinVar:

ClinVar aggregate classification (germline): Uncertain significance (1 of 4 stars; one submission).

Allele frequency attached by ClinVar (database versions not stated): gnomAD exomes below 0.00001.
gnomAD v4.1: 1 of 1,204,546 alleles (0.000083%); highest among the groups gnomAD compares: Non-Finnish European, 0.00011%; no homozygotes.

Submission:

Labcorp Genetics (formerly Invitae), Labcorp
Classification: Uncertain significance. Last evaluated: 2023-06-27. Review status: criteria provided, single submitter. Criteria: Invitae Variant Classification Sherloc (09022015). Collection method: clinical testing. Allele origin: germline.
Comment: In summary, the available evidence is currently insufficient to determine the role of this variant in disease. Therefore, it has been classified as a Variant of Uncertain Significance. Advanced modeling of protein sequence and biophysical properties (such as structural, functional, and spatial information, amino acid conservation, physicochemical variation, residue mobility, and thermodynamic stability) performed at Invitae indicates that this missense variant is expected to disrupt POLA1 protein function. This variant has not been reported in the literature in individuals affected with POLA1-related conditions. This variant is not present in population databases (gnomAD no frequency). This sequence change replaces arginine, which is basic and polar, with threonine, which is neutral and polar, at codon 1191 of the POLA1 protein (p.Arg1191Thr).

NM_001330360.2(POLA1):c.3590G>C (p.Arg1197Thr)

Gene: POLA1 (DNA polymerase alpha 1, catalytic subunit; plus strand). Cytogenetic location: Xp22.11.
Variant type: single nucleotide variant.
Coding change: c.3590G>C on transcript NM_001330360.2 (MANE Select); coding-DNA position 3590, G replaced by C.
Protein change: p.Arg1197Thr; replaces arginine 1197 with threonine.
Molecular consequence: missense variant. On other transcripts: non-coding transcript variant (2).
Genome position (GRCh38, 1-based): chrX:24,826,455, G>C. VCF-style: chrX-24826455-G-C. GRCh37 (hg19) VCF-style: chrX-24844572-G-C.
Other names: c.3515G>C, p.Arg1172Thr (NM_001378303.1); c.3572G>C, p.Arg1191Thr (NM_016937.4); short protein forms R1197T, R1191T, R1172T.
Identifiers: ClinVar variation 2726829 (VCV002726829.3), dbSNP rs2518705683, ClinGen allele CA412528604.